The following is an entry in ClinVar:

NM_001127222.2(CACNA1A):c.7010G>A (p.Gly2337Asp)

Gene: CACNA1A (calcium voltage-gated channel subunit alpha1 A; minus strand). Cytogenetic location: 19p13.13.
Variant type: single nucleotide variant.
Coding change: c.7010G>A on transcript NM_001127222.2 (MANE Select); coding-DNA position 7010, G replaced by A.
Protein change: p.Gly2337Asp; replaces glycine 2337 with aspartic acid.
Molecular consequence: missense variant. On other transcripts: 3 prime UTR variant (3).
Genome position (GRCh38, 1-based): chr19:13,207,824, C>T on the plus strand (G>A on the coding strand, the complement: CACNA1A is on the minus strand). VCF-style: chr19-13207824-C-T. GRCh37 (hg19) VCF-style: chr19-13318638-C-T.
Other names: c.*222G>A (NM_000068.4, NM_001127221.2, NM_001174080.2); c.7028G>A, p.Gly2343Asp (NM_023035.3); short protein forms G2337D, G2343D.
Identifiers: ClinVar variation 4526457 (VCV004526457.1).

ClinVar aggregate classification (germline): Uncertain significance (1 of 4 stars; one submission).

Conditions:
Developmental and epileptic encephalopathy, 42 (DEE42A). Also called: Epileptic encephalopathy, early infantile, 42; DEVELOPMENTAL AND EPILEPTIC ENCEPHALOPATHY 42A; EPILEPTIC ENCEPHALOPATHY, EARLY INFANTILE, 42A. Identifiers: MedGen C4310716, MONDO:0014917, OMIM 617106.

gnomAD v4.1: 23 of 1,462,580 alleles (0.0016%); highest among the groups gnomAD compares: Middle Eastern, 0.048%; no homozygotes.

Submission:

Navigene Genetic Science Pvt Ltd
Classification: Uncertain significance for Developmental and epileptic encephalopathy, 42. Last evaluated: 2025-07-30. Review status: criteria provided, single submitter. Criteria: ACMG Guidelines, 2015. Collection method: clinical testing. Allele origin: germline. Affected: yes.
Comment: Classified as a Uncertain Significance based on ACMG 2015 guidelines : PM2,PP2